The following is an entry in ClinVar:

NM_175914.5(HNF4A):c.341G>A (p.Arg114Gln)

Gene: HNF4A (hepatocyte nuclear factor 4 alpha; plus strand). Cytogenetic location: 20q13.12.
Variant type: single nucleotide variant.
Coding change: c.341G>A on transcript NM_175914.5 (MANE Select); coding-DNA position 341, G replaced by A.
Protein change: p.Arg114Gln; replaces arginine 114 with glutamine.
Molecular consequence: missense variant.
Genome position (GRCh38, 1-based): chr20:44,413,715, G>A. VCF-style: chr20-44413715-G-A. GRCh37 (hg19) VCF-style: chr20-43042355-G-A.
Other names: NM_175914.5(HNF4A):c.341G>A; p.Arg114Gln; c.341G>A (NM_175914.4); c.407G>A, p.Arg136Gln (NM_000457.6, NM_178849.3, NM_178850.3); c.341G>A, p.Arg114Gln (NM_001030003.3, NM_001030004.3); c.386G>A, p.Arg129Gln (NM_001258355.2); c.332G>A, p.Arg111Gln (NM_001287182.2, NM_001287183.2, NM_001287184.2); short protein forms R136Q, R114Q, R129Q, R111Q.
Identifiers: ClinVar variation 931741 (VCV000931741.13), dbSNP rs149611886, ClinGen allele CA9870228.
Genomic context (GRCh38, chr20:44,413,715, plus strand): 5'-CCCTGTTCTCCCTCCTCACCTCTCTGTGCCTCCTCACAGCCGTCCAGAATGAGCGGGACC[G>A]GATCAGCACTCGAAGGTCAAGCTATGAGGACAGCAGCCTGCCCTCCATCAATGCGCTCCT-3'
Protein context (NP_787110.2, residues 104-124): KKEAVQNERD[Arg114Gln]ISTRRSSYED

ClinVar aggregate classification (germline): Uncertain significance. Review status: reviewed by expert panel (3 of 4 stars). 8 submissions from 8 submitters: Uncertain significance (1). 7 of the submissions do not count toward it. Last evaluated 2025-01-03.

Conditions:
Fanconi renotubular syndrome 4 with maturity-onset diabetes of the young (FRTS4). Also called: FRTS4 WITH MODY. Identifiers: Orphanet 93111, MedGen C4014962, MONDO:0014458, OMIM 616026.
Maturity-onset diabetes of the young (MODY). Also called: Maturity onset diabetes mellitus in young. Identifiers: Orphanet 552, MedGen C0342276, MONDO:0018911, HP:0004904.
Maturity-onset diabetes of the young type 1. Also called: MODY, type I; MILD JUVENILE DIABETES MELLITUS; MODY type 1; Diabetes mellitus MODY type 1; MODY HNF4A related; HNF4A-Related Maturity-Onset Diabetes of the Young Type 1. Identifiers: Orphanet 552, MedGen C1852093, MONDO:0007452, OMIM 125850. Disease mechanism: loss of function.
Type 2 diabetes mellitus. Also called: Type II diabetes mellitus. Identifiers: MedGen C0011860, MeSH D003924, MONDO:0005148, OMIM 125853, HP:0005978.
Monogenic diabetes. Identifiers: Orphanet 183625, MedGen C3888631, MONDO:0015967.

Allele frequency attached by ClinVar (database versions not stated): gnomAD 0.00001; TOPMed 0.00002; gnomAD exomes 0.00003 and 0.00006; ExAC 0.00004; ESP Exome Variant Server 0.00008.
gnomAD v4.1: 96 of 1,613,446 alleles (0.0059%); highest among the groups gnomAD compares: Non-Finnish European, 0.0074%; no homozygotes.

Submissions (8):

ClinGen Monogenic Diabetes Variant Curation Expert Panel
Classification: Uncertain significance for Monogenic diabetes. Last evaluated: 2025-01-03. Review status: reviewed by expert panel. Criteria: ClinGen Diabetes ACMG Specifications HNF4A V2.0.0. Collection method: curation. Allele origin: germline. Inheritance: Autosomal dominant inheritance.
Comment: The c.341G>A variant in the hepatic nuclear factor 4-alpha gene, HNF4A, causes an amino acid change of arginine to glutamine at codon 114 (p.(Arg114Gln)) of NM_175914.5. This variant is predicted to be deleterious by computational evidence, with a REVEL score of 0.869, which is greater than the MDEP VCEP threshold of 0.70 (PP3).The Popmax filtering allele frequency of the c.341G>A variant in gnomAD v2.1.1 is 0.000029, which falls between ClinGen MDEP-established cutoffs for PM2_Supporting and BS1; thus, neither criterion will be applied. This variant was identified in 5 unrelated individuals with non-autoimmune and non-absolute/near-absolute insulin-deficient diabetes; however, PS4_Moderate cannot be applied because the variant MAF in gnomAD is above the ClinGen MDEP PM2_Supporting cutoff (internal lab contributors). This variant was identified in an individual with a clinical history highly specific for HNF4A-monogenic diabetes (MODY probability calculator result >50% and negative genetic testing for HNF1A) (PP4, internal lab contributors). This variant does not segregate with diabetes in one family (BS4; internal lab contributors). Another missense variant, c.340C>T p.Arg114Trp, has been classified as likely pathogenic by the ClinGen MDEP (PM5_Supporting). In summary, c.341G>A meets the criteria to be classified as a variant of uncertain significance for monogenic diabetes. ACMG/AMP criteria applied, as specified by the ClinGen MDEP (specification version 2.0.0, approved 10/11/2023): BS4, PP3, PP4, PM5_Supporting.

Women's Health and Genetics/Laboratory Corporation of America, LabCorp
Classification: Uncertain significance. Last evaluated: 2026-06-23. Review status: criteria provided, single submitter. Criteria: LabCorp Variant Classification Summary - May 2015. Collection method: clinical testing. Allele origin: germline. Not counted in ClinVar's aggregate classification.
Comment: Variant summary: HNF4A c.341G>A (p.Arg114Gln) results in a conservative amino acid change in the encoded protein sequence. Algorithms developed to predict the effect of missense changes on protein structure and function are either unavailable or do not agree on the potential impact of this missense change. The variant allele was found at a frequency of 3.2e-05 in 250904 control chromosomes (gnomAD). The available data on variant occurrences in the general population are insufficient to allow any conclusion about variant significance. c.341G>A has been observed in individuals affected with HNF4A-related conditions (e.g. Yu_2019, Colclough_2022, Marucci_2023). These reports do not provide unequivocal conclusions about association of the variant with disease. A different variant affecting the same codon has been classified as likely pathogenic by our lab (c.340C>T, p.Arg114Trp), supporting the critical relevance of codon 114 to HNF4A protein function. To our knowledge, no experimental evidence demonstrating an impact on protein function has been reported. The following publications have been ascertained in the context of this evaluation (PMID: 31264968, 34789499, 36227502). ClinVar contains an entry for this variant (Variation ID: 931741). Based on the evidence outlined above, the variant was classified as uncertain significance.

Fulgent Genetics
Classification: Uncertain significance for Maturity-onset diabetes of the young type 1; Type 2 diabetes mellitus; Fanconi renotubular syndrome 4 with maturity-onset diabetes of the young. Last evaluated: 2024-02-25. Review status: criteria provided, single submitter. Criteria: ACMG Guidelines, 2015. Collection method: clinical testing. Allele origin: germline. Not counted in ClinVar's aggregate classification.

Labcorp Genetics (formerly Invitae), Labcorp
Classification: Uncertain significance. Last evaluated: 2023-05-12. Review status: criteria provided, single submitter. Criteria: Invitae Variant Classification Sherloc (09022015). Collection method: clinical testing. Allele origin: germline. Not counted in ClinVar's aggregate classification.
Comment: This sequence change replaces arginine, which is basic and polar, with glutamine, which is neutral and polar, at codon 114 of the HNF4A protein (p.Arg114Gln). This variant is present in population databases (rs149611886, gnomAD 0.005%). In summary, the available evidence is currently insufficient to determine the role of this variant in disease. Therefore, it has been classified as a Variant of Uncertain Significance. Advanced modeling of protein sequence and biophysical properties (such as structural, functional, and spatial information, amino acid conservation, physicochemical variation, residue mobility, and thermodynamic stability) has been performed at Invitae for this missense variant, however the output from this modeling did not meet the statistical confidence thresholds required to predict the impact of this variant on HNF4A protein function. ClinVar contains an entry for this variant (Variation ID: 931741). This variant is also known as p.R111Q. This missense change has been observed in individual(s) with diabetes (PMID: 31264968).

MGZ Medical Genetics Center
Classification: Uncertain significance for Maturity-onset diabetes of the young type 1. Last evaluated: 2022-05-05. Review status: criteria provided, single submitter. Criteria: ACMG Guidelines, 2015. Collection method: clinical testing. Allele origin: germline. Affected: yes. Observed: 1 variant allele. Not counted in ClinVar's aggregate classification.
Comment: ACMG criteria applied: PP3

Blueprint Genetics
Classification: Uncertain significance. Last evaluated: 2022-04-27. Review status: criteria provided, single submitter. Criteria: ACMG Guidelines, 2015. Collection method: clinical testing. Allele origin: germline. Not counted in ClinVar's aggregate classification.

Centre for Mendelian Genomics, University Medical Centre Ljubljana
Classification: Uncertain significance for Fanconi renotubular syndrome 4 with maturity-onset diabetes of the young. Last evaluated: 2019-09-06. Review status: criteria provided, single submitter. Criteria: ACMG Guidelines, 2015. Collection method: clinical testing. Allele origin: unknown. Affected: yes. Not counted in ClinVar's aggregate classification.
Comment: This variant was classified as: Uncertain significance. The available evidence on this variant's pathogenicity is insufficient or conflicting. The following ACMG criteria were applied in classifying this variant: PP3,BS2.

Clinical Genomics, Uppaluri K&H Personalized Medicine Clinic
Classification: Uncertain risk allele for Maturity-onset diabetes of the young. Review status: criteria provided, single submitter. Criteria: K & H Uppaluri Personalized Medicine Clinic Variant Classification & Assertion Criteria_Updated V.1. Collection method: research. Allele origin: unknown. Inheritance: Autosomal dominant inheritance. Not counted in ClinVar's aggregate classification.
Comment: Potent mutations in HNF4A are associated with poor insulin secretion in response to hyperglycemia. Associated with MODY1. Patients initially respond well to sulfonylureas but eventually become insulin dependent. However, more evidence is required to ascertain the role of this particular variant rs149611886 in MODY, yet.

Literature cited by the submitters: PubMed 31264968 (cited by Women's Health and Genetics/Laboratory Corporation of America, LabCorp and Labcorp Genetics (formerly Invitae), Labcorp); PubMed 34789499 (cited by Women's Health and Genetics/Laboratory Corporation of America, LabCorp); PubMed 36227502 (cited by Women's Health and Genetics/Laboratory Corporation of America, LabCorp); DOI 10.1159/000334532 (cited by Clinical Genomics, Uppaluri K&H Personalized Medicine Clinic); PubMed 18268044 (cited by Clinical Genomics, Uppaluri K&H Personalized Medicine Clinic); PubMed 17563455 (cited by Clinical Genomics, Uppaluri K&H Personalized Medicine Clinic); PubMed 32583173 (cited by Clinical Genomics, Uppaluri K&H Personalized Medicine Clinic); PubMed 35052457 (cited by Clinical Genomics, Uppaluri K&H Personalized Medicine Clinic); PubMed 35118593 (cited by Clinical Genomics, Uppaluri K&H Personalized Medicine Clinic).